The following is an entry in ClinVar:

NM_016148.5(SHANK1):c.4899C>T (p.Thr1633=)

Gene: SHANK1 (SH3 and multiple ankyrin repeat domains 1; minus strand). Cytogenetic location: 19q13.33.
Variant type: single nucleotide variant.
Coding change: c.4899C>T on transcript NM_016148.5 (MANE Select); coding-DNA position 4899, C replaced by T.
Protein change: p.Thr1633=; no amino-acid change (threonine 1633 retained).
Molecular consequence: synonymous variant.
Genome position (GRCh38, 1-based): chr19:50,667,061, G>A on the plus strand (C>T on the coding strand, the complement: SHANK1 is on the minus strand). VCF-style: chr19-50667061-G-A. GRCh37 (hg19) VCF-style: chr19-51170318-G-A.
Identifiers: ClinVar variation 3049989 (VCV003049989.2), dbSNP rs773365592, ClinGen allele CA9601104.
Genomic context (GRCh38, chr19:50,667,061, plus strand): 5'-TGGGGCAGGCGGGCCTGGTGGATGGGGGTCCCCAGGAGCGGCGGAGGCCCCCTGGGTCAG[G>A]GTGGCCACCTCGCTGTCATAGGATGTCAGGCTGGATGCGGTGGAGTCCAGGGTGGGAGGG-3'
Protein context (NP_057232.2, residues 1623-1643): SLTSYDSEVA[Thr1633=]LTQGASAAPG

ClinVar aggregate classification (germline): Likely benign (0 of 4 stars; one submission).

Conditions:
SHANK1-related disorder. Also called: SHANK1-related condition.

Allele frequency attached by ClinVar (database versions not stated): ExAC 0.00007.
gnomAD v4.1: 138 of 1,553,492 alleles (0.0089%); highest among the groups gnomAD compares: Non-Finnish European, 0.012%; no homozygotes.

Submission:

PreventionGenetics, part of Exact Sciences
Classification: Likely benign for SHANK1-related condition. Last evaluated: 2019-07-12. Review status: no assertion criteria provided. Collection method: clinical testing. Allele origin: germline.
Comment: This variant is classified as likely benign based on ACMG/AMP sequence variant interpretation guidelines (Richards et al. 2015 PMID: 25741868, with internal and published modifications).